The following is an entry in ClinVar:

NM_001292063.2(OTOG):c.1051G>A (p.Ala351Thr)

Gene: OTOG (otogelin; plus strand). Cytogenetic location: 11p15.1.
Variant type: single nucleotide variant.
Coding change: c.1051G>A on transcript NM_001292063.2 (MANE Select); coding-DNA position 1051, G replaced by A.
Protein change: p.Ala351Thr; replaces alanine 351 with threonine.
Molecular consequence: missense variant.
Genome position (GRCh38, 1-based): chr11:17,558,592, G>A. VCF-style: chr11-17558592-G-A. GRCh37 (hg19) VCF-style: chr11-17580139-G-A.
Other names: c.1087G>A, p.Ala363Thr (NM_001277269.2); short protein forms A351T, A363T.
Identifiers: ClinVar variation 666632 (VCV000666632.7), dbSNP rs756177290, ClinGen allele CA5905441.

ClinVar aggregate classification (germline): Benign/Likely benign. Review status: criteria provided, multiple submitters, no conflicts (2 of 4 stars). 3 submissions from 3 submitters: Benign (1); Likely benign (2). Last evaluated 2026-02-13.

Conditions:
OTOG-related disorder. Also called: OTOG-related condition.

Allele frequency attached by ClinVar (database versions not stated): gnomAD 0.00011 and 0.00012; TOPMed 0.00011; 1000 Genomes Project 30x 0.00016; gnomAD exomes 0.00024 and 0.00010; ExAC 0.00034.
gnomAD v4.1: 162 of 1,550,388 alleles (0.01%); highest among the groups gnomAD compares: Admixed American, 0.0059%; no homozygotes.

Submissions (3):

PreventionGenetics, part of Exact Sciences
Classification: Likely benign for OTOG-related condition. Last evaluated: 2026-02-13. Review status: criteria provided, single submitter. Criteria: ACMG Guidelines, 2015. Collection method: clinical testing. Allele origin: germline.
Comment: This variant is classified as likely benign based on ACMG/AMP sequence variant interpretation guidelines (Richards et al. 2015 PMID: 25741868, with internal and published modifications).

Labcorp Genetics (formerly Invitae), Labcorp
Classification: Likely benign. Last evaluated: 2025-12-19. Review status: criteria provided, single submitter. Criteria: Invitae Variant Classification Sherloc (09022015). Collection method: clinical testing. Allele origin: germline.

Laboratory for Molecular Medicine, Mass General Brigham Personalized Medicine
Classification: Benign. Last evaluated: 2018-04-12. Review status: criteria provided, single submitter. Criteria: LMM Criteria. Collection method: clinical testing. Allele origin: germline. Observed: 1 variant allele.
Comment: p.Ala363Thr in exon 9 of OTOG: This variant is classified as benign due to the f requency in the general population and lack of conservation across species, incl uding mammals. Of note, white rhinoceros, hedgehog, cape golden mole, and armadi llo have a threonine (Thr) at this position despite high nearby amino acid cons ervation. In addition, computational prediction tools do not suggest a high like lihood of impact to the protein. It has also been identified in 0.34% (29/8398) of Ashkenazi Jewish chromosomes by the Genome Aggregation Database (gnomAD; dbSNP rs756177290). ACMG/AMP Criteria applied: BS1 ; BP4_Strong.